The following is an entry in ClinVar:

NC_000006.11:g.(?_66094269)_(66094403_?)dup

Gene: EYS (eyes shut homolog; minus strand). Cytogenetic location: 6q12.
Variant type: Duplication.
Identifiers: ClinVar variation 1066057 (VCV001066057.5).

ClinVar aggregate classification (germline): Likely pathogenic (1 of 4 stars; one submission).

Submission:

Labcorp Genetics (formerly Invitae), Labcorp
Classification: Likely pathogenic. Last evaluated: 2020-07-23. Review status: criteria provided, single submitter. Criteria: Invitae Variant Classification Sherloc (09022015). Collection method: clinical testing. Allele origin: germline.
Comment: This variant results in a copy number gain of the genomic region encompassing exon(s) 8 of the EYS gene. While the exact position of this variant cannot be determined from the data, sub-genic copy number gains are generally in tandem (PMID: 25640679). This variant is predicted to be out-of-frame, and may result in an absent or disrupted protein product. In summary, the currently available evidence indicates that the variant is pathogenic, but additional data are needed to prove that conclusively. Therefore, this variant has been classified as Likely Pathogenic. Loss-of-function variants in EYS are known to be pathogenic (PMID: 18836446, 20333770). This variant has not been reported in the literature in individuals with EYS-related conditions.

Literature cited by the submitters: PubMed 25640679; PubMed 18836446; PubMed 20333770.